The following is an entry in ClinVar:

ClinVar aggregate classification (germline): Uncertain significance. Review status: criteria provided, multiple submitters, no conflicts (2 of 4 stars). 3 submissions from 3 submitters: Uncertain significance (3). Last evaluated 2024-07-04.

Conditions:
Neurodevelopmental disorder with microcephaly, impaired language, and gait abnormalities. Identifiers: MedGen C5436783, MONDO:0100348, OMIM 619091.

Submissions (3):

3billion
Classification: Uncertain significance for Neurodevelopmental disorder with microcephaly, impaired language, and gait abnormalities. Last evaluated: 2024-07-04. Review status: criteria provided, single submitter. Criteria: ACMG Guidelines, 2015. Collection method: clinical testing. Allele origin: germline. Affected: yes.
Comment: The variant is not observed in the gnomAD v4.0.0 dataset. Predicted Consequence/Location: Missense variant In silico tool predictions suggest damaging effect of the variant on gene or gene product [REVEL: 0.76 (>=0.6, sensitivity 0.68 and specificity 0.92); 3Cnet: 0.75 (>=0.6, sensitivity 0.72 and precision 0.9)]. Therefore, this variant is classified as VUS according to the recommendation of ACMG/AMP guideline.

Blueprint Genetics
Classification: Uncertain significance. Last evaluated: 2024-02-19. Review status: criteria provided, single submitter. Criteria: ACMG Guidelines, 2015. Collection method: clinical testing. Allele origin: germline.

CeGaT Center for Human Genetics Tuebingen
Classification: Uncertain significance. Last evaluated: 2022-12-01. Review status: criteria provided, single submitter. Criteria: CeGaT Center For Human Genetics Tuebingen Variant Classification Criteria Version 2. Collection method: clinical testing. Allele origin: germline. Affected: yes. Observed: 1 variant allele.
Comment: NARS1: PM2, PP3

NM_004539.4(NARS1):c.967G>A (p.Ala323Thr)

Gene: NARS1 (asparaginyl-tRNA synthetase 1; minus strand). Cytogenetic location: 18q21.31.
Variant type: single nucleotide variant.
Coding change: c.967G>A on transcript NM_004539.4 (MANE Select); coding-DNA position 967, G replaced by A.
Protein change: p.Ala323Thr; replaces alanine 323 with threonine.
Molecular consequence: missense variant.
Genome position (GRCh38, 1-based): chr18:57,607,168, C>T on the plus strand (G>A on the coding strand, the complement: NARS1 is on the minus strand). VCF-style: chr18-57607168-C-T. GRCh37 (hg19) VCF-style: chr18-55274400-C-T.
Other names: short protein forms A323T.
Identifiers: ClinVar variation 1879399 (VCV001879399.30), dbSNP rs2511570420, ClinGen allele CA402547040.